The following is an entry in ClinVar:

ClinVar aggregate classification (germline): Conflicting classifications of pathogenicity. Review status: criteria provided, conflicting classifications (1 of 4 stars). 2 submissions from 2 submitters: Uncertain significance (1); Likely benign (1). Last evaluated 2024-12-07.

Conditions:
Pancreatic adenocarcinoma. Identifiers: MedGen C0281361, MONDO:0006047, HP:0006725.

Allele frequency attached by ClinVar (database versions not stated): gnomAD 0.00001; TOPMed 0.00002; 1000 Genomes Project 30x 0.00016.
gnomAD v4.1: 15 of 1,512,990 alleles (0.00099%); highest among the groups gnomAD compares: East Asian, 0.039%; no homozygotes.

Submissions (2):

Ambry Genetics
Classification: Uncertain significance. Last evaluated: 2024-12-07. Review status: criteria provided, single submitter. Criteria: Ambry Variant Classification Scheme 2023. Collection method: clinical testing. Allele origin: germline.
Comment: The p.T99R variant (also known as c.296C>G), located in coding exon 1 of the PALLD gene, results from a C to G substitution at nucleotide position 296. The threonine at codon 99 is replaced by arginine, an amino acid with similar properties. This amino acid position is conserved. In addition, this alteration is predicted to be tolerated by in silico analysis. Based on the available evidence, the clinical significance of this variant remains unclear.

Labcorp Genetics (formerly Invitae), Labcorp
Classification: Likely benign for Pancreatic adenocarcinoma. Last evaluated: 2024-10-02. Review status: criteria provided, single submitter. Criteria: Invitae Variant Classification Sherloc (09022015). Collection method: clinical testing. Allele origin: germline.

NM_001166108.2(PALLD):c.1965-12735C>G

Gene: PALLD (palladin, cytoskeletal associated protein; plus strand). Cytogenetic location: 4q32.3.
Variant type: single nucleotide variant.
Coding change: c.1965-12735C>G on transcript NM_001166108.2 (MANE Select); 12735 bases into the intron before coding-DNA position 1965, C replaced by G.
Molecular consequence: intron variant. On other transcripts: missense variant (1).
Genome position (GRCh38, 1-based): chr4:168,878,187, C>G. VCF-style: chr4-168878187-C-G. GRCh37 (hg19) VCF-style: chr4-169799338-C-G.
Other names: c.296C>G, p.Thr99Arg (NM_001166110.2); c.1965-12735C>G (NM_016081.4); c.819-12735C>G (NM_001166109.2); c.-157-12735C>G (NM_001367570.1, NM_001367568.1, NM_001367567.1 and 1 more transcripts); c.296C>G (NM_001166110.1); short protein forms T99R.
Identifiers: ClinVar variation 1141572 (VCV001141572.10), dbSNP rs1434151476, ClinGen allele CA358796103.
Genomic context (GRCh38, chr4:168,878,187, plus strand): 5'-CCCCGTGGGGCTCCTCCTCGCCGTCGCCCCCGCCCCCGCCACCCCCGGTCTTCAGCCCCA[C>G]GGCTGCCTTCCCGGTGCCCGACGTGTTCCCACTGCCGCCGCCACCACCGCCGCTCCCGAG-3'